The following is an entry in ClinVar:

NM_001465.6(FYB1):c.1629A>G (p.Thr543=)

Gene: FYB1 (FYN binding protein 1; minus strand). Cytogenetic location: 5p13.1.
Variant type: single nucleotide variant.
Coding change: c.1629A>G on transcript NM_001465.6 (MANE Select); coding-DNA position 1629, A replaced by G.
Protein change: p.Thr543=; no amino-acid change (threonine 543 retained).
Molecular consequence: synonymous variant.
Genome position (GRCh38, 1-based): chr5:39,134,901, T>C on the plus strand (A>G on the coding strand, the complement: FYB1 is on the minus strand). VCF-style: chr5-39134901-T-C. GRCh37 (hg19) VCF-style: chr5-39135003-T-C.
Other names: c.1659A>G, p.Thr553= (NM_001243093.2, NM_018594.2); c.1629A>G, p.Thr543= (NM_001349333.2, NM_199335.5).
Identifiers: ClinVar variation 2655443 (VCV002655443.24), dbSNP rs1053335485, ClinGen allele CA117185397.

ClinVar aggregate classification (germline): Likely benign (1 of 4 stars; one submission).

Allele frequency attached by ClinVar (database versions not stated): gnomAD exomes 0.00001; TOPMed 0.00002; gnomAD 0.00003.
gnomAD v4.1: 22 of 1,613,876 alleles (0.0014%); highest among the groups gnomAD compares: Admixed American, 0.005%; no homozygotes.

Submission:

CeGaT Center for Human Genetics Tuebingen
Classification: Likely benign. Last evaluated: 2023-08-01. Review status: criteria provided, single submitter. Criteria: CeGaT Center For Human Genetics Tuebingen Variant Classification Criteria Version 2. Collection method: clinical testing. Allele origin: germline. Affected: yes. Observed: 1 variant allele.
Comment: FYB1: BP4, BP7